The following is an entry in ClinVar:

NM_021098.3(CACNA1H):c.1393G>A (p.Gly465Ser)

Gene: CACNA1H (calcium voltage-gated channel subunit alpha1 H; plus strand). Cytogenetic location: 16p13.3.
Variant type: single nucleotide variant.
Coding change: c.1393G>A on transcript NM_021098.3 (MANE Select); coding-DNA position 1393, G replaced by A.
Protein change: p.Gly465Ser; replaces glycine 465 with serine.
Molecular consequence: missense variant.
Genome position (GRCh38, 1-based): chr16:1,201,843, G>A. VCF-style: chr16-1201843-G-A. GRCh37 (hg19) VCF-style: chr16-1251843-G-A.
Other names: c.1393G>A, p.Gly465Ser (NM_001005407.2); short protein forms G465S.
Identifiers: ClinVar variation 2578049 (VCV002578049.5), dbSNP rs369449263, ClinGen allele CA7799929.

ClinVar aggregate classification (germline): Conflicting classifications of pathogenicity. Review status: criteria provided, conflicting classifications (1 of 4 stars). 3 submissions from 3 submitters: Uncertain significance (1); Likely benign (2). Last evaluated 2025-10-04.

Conditions:
Idiopathic generalized epilepsy. Also called: EIG; Generalised epilepsy. Identifiers: MedGen C0270850, MONDO:0005579, OMIM 600669.
Hyperaldosteronism, familial, type IV (HALD4). Also called: FH IV; ALDOSTERONISM, PRIMARY, AND HYPERTENSION. Identifiers: Orphanet 642671, MedGen C4310756, MONDO:0014875, OMIM 617027.

Allele frequency attached by ClinVar (database versions not stated): gnomAD exomes 0.00002; ExAC 0.00006; TOPMed 0.00006; gnomAD 0.00007; ESP Exome Variant Server 0.00008; 1000 Genomes Project 30x 0.00016; 1000 Genomes Project 0.00020.

Submissions (3):

Labcorp Genetics (formerly Invitae), Labcorp
Classification: Likely benign for Idiopathic generalized epilepsy; Hyperaldosteronism, familial, type IV. Last evaluated: 2025-10-04. Review status: criteria provided, single submitter. Criteria: Invitae Variant Classification Sherloc (09022015). Collection method: clinical testing. Allele origin: germline.

GeneDx
Classification: Uncertain significance. Last evaluated: 2023-02-28. Review status: criteria provided, single submitter. Criteria: GeneDx Variant Classification Process June 2021. Collection method: clinical testing. Allele origin: germline. Affected: yes.
Comment: In silico analysis supports that this missense variant does not alter protein structure/function; Has not been previously published as pathogenic or benign to our knowledge

Blueprint Genetics
Classification: Likely benign. Last evaluated: 2020-12-31. Review status: criteria provided, single submitter. Criteria: ACMG Guidelines, 2015. Collection method: clinical testing. Allele origin: germline.